The following is an entry in ClinVar:

NM_000350.3(ABCA4):c.4264C>T (p.Pro1422Ser)

Gene: ABCA4 (ATP binding cassette subfamily A member 4; minus strand). Cytogenetic location: 1p22.1.
Variant type: single nucleotide variant.
Coding change: c.4264C>T on transcript NM_000350.3 (MANE Select); coding-DNA position 4264, C replaced by T.
Protein change: p.Pro1422Ser; replaces proline 1422 with serine.
Molecular consequence: missense variant.
Genome position (GRCh38, 1-based): chr1:94,030,516, G>A on the plus strand (C>T on the coding strand, the complement: ABCA4 is on the minus strand). VCF-style: chr1-94030516-G-A. GRCh37 (hg19) VCF-style: chr1-94496072-G-A.
Other names: c.4042C>T, p.Pro1348Ser (NM_001425324.1); short protein forms P1422S, P1348S.
Identifiers: ClinVar variation 1462908 (VCV001462908.8), dbSNP rs2101035052, ClinGen allele CA341285927.

ClinVar aggregate classification (germline): Uncertain significance (1 of 4 stars; one submission).

Submission:

Labcorp Genetics (formerly Invitae), Labcorp
Classification: Uncertain significance. Last evaluated: 2021-04-21. Review status: criteria provided, single submitter. Criteria: Invitae Variant Classification Sherloc (09022015). Collection method: clinical testing. Allele origin: germline.
Comment: In summary, the available evidence is currently insufficient to determine the role of this variant in disease. Therefore, it has been classified as a Variant of Uncertain Significance. Algorithms developed to predict the effect of missense changes on protein structure and function are either unavailable or do not agree on the potential impact of this missense change (SIFT: "Deleterious"; PolyPhen-2: "Benign"; Align-GVGD: "Class C65"). This variant has not been reported in the literature in individuals with ABCA4-related conditions. This variant is not present in population databases (ExAC no frequency). This sequence change replaces proline with serine at codon 1422 of the ABCA4 protein (p.Pro1422Ser). The proline residue is highly conserved and there is a moderate physicochemical difference between proline and serine.